The following is an entry in ClinVar:

ClinVar aggregate classification (germline): Conflicting classifications of pathogenicity. Review status: criteria provided, conflicting classifications (1 of 4 stars). 3 submissions from 3 submitters: Uncertain significance (1); Likely benign (2). Last evaluated 2024-02-06.

Conditions:
Familial sleep-related hypermotor epilepsy. Also called: Autosomal Dominant Sleep-Related Hypermotor (Hyperkinetic) Epilepsy. Identifiers: Orphanet 98784, MedGen C3696898, MONDO:0000030.
Inborn genetic diseases. Identifiers: MedGen C0950123, MeSH D030342.

Allele frequency attached by ClinVar (database versions not stated): gnomAD exomes 0.00001 and below 0.00001; gnomAD 0.00003 and 0.00004; TOPMed 0.00004; ESP Exome Variant Server 0.00008; ExAC 0.00001.
gnomAD v4.1: 5 of 1,612,750 alleles (0.00031%); highest among the groups gnomAD compares: African/African-American, 0.0067%; no homozygotes.

Submissions (3):

Labcorp Genetics (formerly Invitae), Labcorp
Classification: Likely benign. Last evaluated: 2024-02-06. Review status: criteria provided, single submitter. Criteria: Invitae Variant Classification Sherloc (09022015). Collection method: clinical testing. Allele origin: germline.

Women's Health and Genetics/Laboratory Corporation of America, LabCorp
Classification: Uncertain significance. Last evaluated: 2023-12-01. Review status: criteria provided, single submitter. Criteria: LabCorp Variant Classification Summary - May 2015. Collection method: clinical testing. Allele origin: germline.
Comment: Variant summary: CHRNA2 c.1117T>C (p.Cys373Arg) results in a non-conservative amino acid change located in the Neurotransmitter-gated ion-channel transmembrane domain of the encoded protein sequence. Three of five in-silico tools predict a benign effect of the variant on protein function. The variant allele was found at a frequency of 8e-06 in 248822 control chromosomes. The available data on variant occurrences in the general population are insufficient to allow any conclusion about variant significance. To our knowledge, no occurrence of c.1117T>C in individuals affected with Autosomal Dominant Nocturnal Frontal Lobe Epilepsy 4 and no experimental evidence demonstrating its impact on protein function have been reported. Two submitters have cited clinical-significance assessments for this variant to ClinVar after 2014. All submitters classified the variant as likely benign. Based on the evidence outlined above, the variant was classified as uncertain significance.

Ambry Genetics
Classification: Likely benign for Inborn genetic diseases. Last evaluated: 2018-04-14. Review status: criteria provided, single submitter. Criteria: Ambry Variant Classification Scheme 2023. Collection method: clinical testing. Allele origin: germline.

NM_000742.4(CHRNA2):c.1117T>C (p.Cys373Arg)

Gene: CHRNA2 (cholinergic receptor nicotinic alpha 2 subunit; minus strand). Cytogenetic location: 8p21.2.
Variant type: single nucleotide variant.
Coding change: c.1117T>C on transcript NM_000742.4 (MANE Select); coding-DNA position 1117, T replaced by C.
Protein change: p.Cys373Arg; replaces cysteine 373 with arginine.
Molecular consequence: missense variant.
Genome position (GRCh38, 1-based): chr8:27,463,326, A>G on the plus strand (T>C on the coding strand, the complement: CHRNA2 is on the minus strand). VCF-style: chr8-27463326-A-G. GRCh37 (hg19) VCF-style: chr8-27320843-A-G.
Other names: c.1072T>C, p.Cys358Arg (NM_001282455.2); c.640T>C, p.Cys214Arg (NM_001347705.2, NM_001347706.2); c.523T>C, p.Cys175Arg (NM_001347707.2, NM_001347708.2); short protein forms C373R, C214R, C358R, C175R.
Identifiers: ClinVar variation 543528 (VCV000543528.8), dbSNP rs137965290, ClinGen allele CA4689524.